The following is an entry in ClinVar:

NM_000500.9(CYP21A2):c.652-1G>A

Genes: CYP21A2 (cytochrome P450 family 21 subfamily A member 2; plus strand), LOC106780800 (CYP21A2 recombination region; plus strand). Cytogenetic location: 6p21.33.
Variant type: single nucleotide variant.
Coding change: c.652-1G>A on transcript NM_000500.9 (MANE Select); the canonical splice acceptor site of the intron before coding-DNA position 652, G replaced by A.
Molecular consequence: splice acceptor variant.
Genome position (GRCh38, 1-based): chr6:32,039,748, G>A. VCF-style: chr6-32039748-G-A. GRCh37 (hg19) VCF-style: chr6-32007525-G-A.
Other names: c.247-1G>A (NM_001368143.2, NM_001368144.2); c.562-1G>A (NM_001128590.4).
Identifiers: ClinVar variation 1345036 (VCV001345036.2), dbSNP rs1397184823, ClinGen allele CA363504493.

ClinVar aggregate classification (germline): Likely pathogenic (1 of 4 stars; one submission).

Conditions:
21-Hydroxylase-Deficient Congenital Adrenal Hyperplasia. Also called: ADRENAL HYPERPLASIA, CONGENITAL, DUE TO 21-HYDROXYLASE DEFICIENCY; ADRENAL HYPERPLASIA III. Identifiers: MedGen C2936858, OMIM 201910.

Allele frequency attached by ClinVar (database versions not stated): gnomAD exomes below 0.00001.

Submission:

Institute of Medical Genetics and Genomics, Sir Ganga Ram Hospital
Classification: Likely pathogenic for 21-Hydroxylase-Deficient Congenital Adrenal Hyperplasia. Last evaluated: 2021-03-10. Review status: criteria provided, single submitter. Criteria: ACMG Guidelines, 2015. Collection method: clinical testing. Allele origin: germline. Affected: yes. Observed: 1 variant allele.
Comment: This variant was present in trans with c.293-13A/C>G variant of CYP21A2 gene

Literature cited by the submitters: PubMed 23359698; PubMed 33552137; PubMed 30611409; PubMed 29035424.